The following is an entry in ClinVar:

NM_020987.5(ANK3):c.9313T>C (p.Tyr3105His)

Gene: ANK3 (ankyrin 3; minus strand). Cytogenetic location: 10q21.2.
Variant type: single nucleotide variant.
Coding change: c.9313T>C on transcript NM_020987.5 (MANE Select); coding-DNA position 9313, T replaced by C.
Protein change: p.Tyr3105His; replaces tyrosine 3105 with histidine.
Molecular consequence: missense variant. On other transcripts: intron variant (4).
Genome position (GRCh38, 1-based): chr10:60,071,568, A>G on the plus strand (T>C on the coding strand, the complement: ANK3 is on the minus strand). VCF-style: chr10-60071568-A-G. GRCh37 (hg19) VCF-style: chr10-61831326-A-G.
Other names: c.4388-3559T>C (NM_001204403.2); c.4409-3559T>C (NM_001204404.2); c.4406-3559T>C (NM_001320874.2); c.1808-3559T>C (NM_001149.4); short protein forms Y3105H.
Identifiers: ClinVar variation 1403087 (VCV001403087.9), dbSNP rs1165156356, ClinGen allele CA377003460.
Genomic context (GRCh38, chr10:60,071,568, plus strand): 5'-CTGTCTTACATTCCTGACTTATGATTTTTTTTACACCTCCTTGTTGTATCTCCTTTTCAT[A>G]TTGCTTCCCCACTTGTACAAAACTGACATAAACGGGTAAAGTTTTTATCTCTTTCCCTCC-3'
Protein context (NP_066267.2, residues 3095-3115): YVSFVQVGKQ[Tyr3105His]EKEIQQGGVK

ClinVar aggregate classification (germline): Uncertain significance (1 of 4 stars; one submission).

Allele frequency attached by ClinVar (database versions not stated): gnomAD exomes below 0.00001; TOPMed below 0.00001.
gnomAD v4.1: 2 of 1,613,778 alleles (0.00012%); highest among the groups gnomAD compares: Admixed American, 0.0017%; no homozygotes.

Submission:

Labcorp Genetics (formerly Invitae), Labcorp
Classification: Uncertain significance. Last evaluated: 2021-12-02. Review status: criteria provided, single submitter. Criteria: Invitae Variant Classification Sherloc (09022015). Collection method: clinical testing. Allele origin: germline.
Comment: This variant is present in population databases (no rsID available, gnomAD 0.003%). This sequence change replaces tyrosine, which is neutral and polar, with histidine, which is basic and polar, at codon 3105 of the ANK3 protein (p.Tyr3105His). This variant has not been reported in the literature in individuals affected with ANK3-related conditions. Algorithms developed to predict the effect of missense changes on protein structure and function are either unavailable or do not agree on the potential impact of this missense change (SIFT: "Not Available"; PolyPhen-2: "Probably Damaging"; Align-GVGD: "Not Available"). In summary, the available evidence is currently insufficient to determine the role of this variant in disease. Therefore, it has been classified as a Variant of Uncertain Significance.